The following is an entry in ClinVar:

NM_198904.4(GABRG2):c.108-1G>T

Gene: GABRG2 (gamma-aminobutyric acid type A receptor subunit gamma2; plus strand). Cytogenetic location: 5q34.
Variant type: single nucleotide variant.
Coding change: c.108-1G>T on transcript NM_198904.4 (MANE Select); the canonical splice acceptor site of the intron before coding-DNA position 108, G replaced by T.
Molecular consequence: splice acceptor variant. On other transcripts: intron variant (1).
Genome position (GRCh38, 1-based): chr5:162,093,827, G>T. VCF-style: chr5-162093827-G-T. GRCh37 (hg19) VCF-style: chr5-161520833-G-T.
Other names: c.-178-1G>T (NM_001375349.1); c.108-1G>T (NM_001375343.1, NM_001375344.1, NM_001375340.1 and 4 more transcripts); c.-251-1G>T (NM_001375350.1, NM_001375348.1); c.108-10G>T (NM_001375339.1); c.42-1G>T (NM_001375346.1, NM_001375345.1); c.21-1G>T (NM_001375347.1).
Identifiers: ClinVar variation 3358976 (VCV003358976.2).

ClinVar aggregate classification (germline): Uncertain significance (1 of 4 stars; one submission).

Conditions:
Febrile seizures, familial, 8 (FEB8). Also called: CONVULSIONS, FAMILIAL FEBRILE, 8. Identifiers: Orphanet 36387, MedGen C1969810, MONDO:0011891, OMIM 607681.

Submission:

Institute of Human Genetics, University of Leipzig Medical Center
Classification: Uncertain significance for Febrile seizures, familial, 8. Last evaluated: 2024-04-22. Review status: criteria provided, single submitter. Criteria: ACMG Guidelines, 2015. Collection method: clinical testing. Allele origin: unknown. Inheritance: Autosomal dominant inheritance. Affected: yes.
Comment: Criteria applied: PVS1_MOD,PM2_SUP